The following is an entry in ClinVar:

NM_152419.3(HGSNAT):c.8G>C (p.Gly3Ala)

Genes: HGSNAT (heparan-alpha-glucosaminide N-acetyltransferase; plus strand), LOC130000316 (ATAC-STARR-seq lymphoblastoid silent region 19164; plus strand). Cytogenetic location: 8p11.21.
Variant type: single nucleotide variant.
Coding change: c.8G>C on transcript NM_152419.3 (MANE Select); coding-DNA position 8, G replaced by C.
Protein change: p.Gly3Ala; replaces glycine 3 with alanine.
Molecular consequence: missense variant. On other transcripts: 5 prime UTR variant (1).
Genome position (GRCh38, 1-based): chr8:43,140,504, G>C. VCF-style: chr8-43140504-G-C. GRCh37 (hg19) VCF-style: chr8-42995647-G-C.
Other names: c.8G>C, p.Gly3Ala (NM_001363227.2, NM_001363228.2); c.-826G>C (NM_001363229.2); short protein forms G3A.
Identifiers: ClinVar variation 2170916 (VCV002170916.4), dbSNP rs1007037858, ClinGen allele CA176095904.
Genomic context (GRCh38, chr8:43,140,504, plus strand): 5'-AGCGCAGGGCGGGGCGCAGCGGGCAGGCAAGGGCGGCCGAGCGGGCGGCGGGCATGAGCG[G>C]GGCGGGCAGGGCGCTGGCCGCGCTGCTGCTGGCCGCGTCCGTGCTGAGCGCCGCGCTGCT-3'
Protein context (NP_689632.2, residues 1-13): MS[Gly3Ala]AGRALAALLL

ClinVar aggregate classification (germline): Uncertain significance (1 of 4 stars; one submission).

Conditions:
Mucopolysaccharidosis, MPS-III-C (MPS3C). Also called: SANFILIPPO SYNDROME C; MPS III C; mucopolysaccharidosis type 3C; MUCOPOLYSACCHARIDOSIS, TYPE IIIC; MPS IIIC (Sanfilippo Syndrome Type C); Mucopolysaccharidosis type IIIC (Sanfilippo C). Identifiers: Orphanet 581, Orphanet 79271, MedGen C0086649, MONDO:0009657, OMIM 252930.
Retinitis pigmentosa 73 (RP73). Identifiers: Orphanet 791, MedGen C4225287, MONDO:0014687, OMIM 616544.

Allele frequency attached by ClinVar (database versions not stated): gnomAD 0.00001; TOPMed 0.00001.

Submission:

Labcorp Genetics (formerly Invitae), Labcorp
Classification: Uncertain significance for Retinitis pigmentosa 73; Mucopolysaccharidosis, MPS-III-C. Last evaluated: 2022-04-09. Review status: criteria provided, single submitter. Criteria: Invitae Variant Classification Sherloc (09022015). Collection method: clinical testing. Allele origin: germline.
Comment: This sequence change replaces glycine, which is neutral and non-polar, with alanine, which is neutral and non-polar, at codon 3 of the HGSNAT protein (p.Gly3Ala). This variant is not present in population databases (gnomAD no frequency). This variant has not been reported in the literature in individuals affected with HGSNAT-related conditions. Advanced modeling of protein sequence and biophysical properties (such as structural, functional, and spatial information, amino acid conservation, physicochemical variation, residue mobility, and thermodynamic stability) performed at Invitae indicates that this missense variant is not expected to disrupt HGSNAT protein function. In summary, the available evidence is currently insufficient to determine the role of this variant in disease. Therefore, it has been classified as a Variant of Uncertain Significance.